The following is an entry in ClinVar:

NM_002471.4(MYH6):c.877A>T (p.Asn293Tyr)

Gene: MYH6 (myosin heavy chain 6; minus strand). Cytogenetic location: 14q11.2.
Variant type: single nucleotide variant.
Coding change: c.877A>T on transcript NM_002471.4 (MANE Select); coding-DNA position 877, A replaced by T.
Protein change: p.Asn293Tyr; replaces asparagine 293 with tyrosine.
Molecular consequence: missense variant.
Genome position (GRCh38, 1-based): chr14:23,403,369, T>A on the plus strand (A>T on the coding strand, the complement: MYH6 is on the minus strand). VCF-style: chr14-23403369-T-A. GRCh37 (hg19) VCF-style: chr14-23872578-T-A.
Other names: short protein forms N293Y.
Identifiers: ClinVar variation 3715109 (VCV003715109.2).

ClinVar aggregate classification (germline): Uncertain significance (1 of 4 stars; one submission).

Conditions:
Hypertrophic cardiomyopathy 14. Identifiers: MedGen C2750467, MONDO:0013197, OMIM 613251.

gnomAD v4.1: 1 of 1,614,088 alleles (0.000062%); highest among the groups gnomAD compares: Non-Finnish European, 0.000085%; no homozygotes.

Submission:

Labcorp Genetics (formerly Invitae), Labcorp
Classification: Uncertain significance for Hypertrophic cardiomyopathy 14. Last evaluated: 2024-03-26. Review status: criteria provided, single submitter. Criteria: Invitae Variant Classification Sherloc (09022015). Collection method: clinical testing. Allele origin: germline.
Comment: This sequence change replaces asparagine, which is neutral and polar, with tyrosine, which is neutral and polar, at codon 293 of the MYH6 protein (p.Asn293Tyr). This variant is not present in population databases (gnomAD no frequency). This variant has not been reported in the literature in individuals affected with MYH6-related conditions. Advanced modeling of protein sequence and biophysical properties (such as structural, functional, and spatial information, amino acid conservation, physicochemical variation, residue mobility, and thermodynamic stability) performed at Invitae indicates that this missense variant is expected to disrupt MYH6 protein function with a positive predictive value of 80%. In summary, the available evidence is currently insufficient to determine the role of this variant in disease. Therefore, it has been classified as a Variant of Uncertain Significance.